The following is an entry in ClinVar:

NM_024747.6(HPS6):c.770G>A (p.Gly257Asp)

Gene: HPS6 (HPS6 biogenesis of lysosomal organelles complex 2 subunit 3; plus strand). Cytogenetic location: 10q24.32.
Variant type: single nucleotide variant.
Coding change: c.770G>A on transcript NM_024747.6 (MANE Select); coding-DNA position 770, G replaced by A.
Protein change: p.Gly257Asp; replaces glycine 257 with aspartic acid.
Molecular consequence: missense variant.
Genome position (GRCh38, 1-based): chr10:102,066,244, G>A. VCF-style: chr10-102066244-G-A. GRCh37 (hg19) VCF-style: chr10-103826001-G-A.
Other names: short protein forms G257D.
Identifiers: ClinVar variation 1987062 (VCV001987062.2), dbSNP rs373015076, ClinGen allele CA5659854.

ClinVar aggregate classification (germline): Uncertain significance. Review status: criteria provided, multiple submitters, no conflicts (2 of 4 stars). 2 submissions from 2 submitters: Uncertain significance (2). Last evaluated 2025-01-27.

Conditions:
Inborn genetic diseases. Identifiers: MedGen C0950123, MeSH D030342.

Allele frequency attached by ClinVar (database versions not stated): gnomAD exomes 0.00001; ExAC 0.00003; ESP Exome Variant Server 0.00008; TOPMed 0.00010; gnomAD 0.00013.
gnomAD v4.1: 33 of 1,613,806 alleles (0.002%); highest among the groups gnomAD compares: African/African-American, 0.04%; no homozygotes.

Submissions (2):

Ambry Genetics
Classification: Uncertain significance for Inborn genetic diseases. Last evaluated: 2025-01-27. Review status: criteria provided, single submitter. Criteria: Ambry Variant Classification Scheme 2023. Collection method: clinical testing. Allele origin: germline.

Labcorp Genetics (formerly Invitae), Labcorp
Classification: Uncertain significance. Last evaluated: 2022-10-17. Review status: criteria provided, single submitter. Criteria: Invitae Variant Classification Sherloc (09022015). Collection method: clinical testing. Allele origin: germline.
Comment: This sequence change replaces glycine, which is neutral and non-polar, with aspartic acid, which is acidic and polar, at codon 257 of the HPS6 protein (p.Gly257Asp). This variant is present in population databases (rs373015076, gnomAD 0.05%). This variant has not been reported in the literature in individuals affected with HPS6-related conditions. Advanced modeling of protein sequence and biophysical properties (such as structural, functional, and spatial information, amino acid conservation, physicochemical variation, residue mobility, and thermodynamic stability) performed at Invitae indicates that this missense variant is not expected to disrupt HPS6 protein function. In summary, the available evidence is currently insufficient to determine the role of this variant in disease. Therefore, it has been classified as a Variant of Uncertain Significance.